The following is an entry in ClinVar:

NM_014249.4(NR2E3):c.215A>G (p.Lys72Arg)

Gene: NR2E3 (nuclear receptor subfamily 2 group E member 3; plus strand). Cytogenetic location: 15q23.
Variant type: single nucleotide variant.
Coding change: c.215A>G on transcript NM_014249.4 (MANE Select); coding-DNA position 215, A replaced by G.
Protein change: p.Lys72Arg; replaces lysine 72 with arginine.
Molecular consequence: missense variant.
Genome position (GRCh38, 1-based): chr15:71,811,579, A>G. VCF-style: chr15-71811579-A-G. GRCh37 (hg19) VCF-style: chr15-72103919-A-G.
Other names: c.215A>G, p.Lys72Arg (NM_016346.4); short protein forms K72R.
Identifiers: ClinVar variation 2107758 (VCV002107758.5), dbSNP rs2543253326, ClinGen allele CA393032138.

ClinVar aggregate classification (germline): Uncertain significance. Review status: criteria provided, multiple submitters, no conflicts (2 of 4 stars). 2 submissions from 2 submitters: Uncertain significance (2). Last evaluated 2023-06-30.

Allele frequency attached by ClinVar (database versions not stated): gnomAD exomes below 0.00001.
gnomAD v4.1: 1 of 1,604,630 alleles (0.000062%); highest among the groups gnomAD compares: Non-Finnish European, 0.000085%; no homozygotes.

Submissions (2):

Blueprint Genetics
Classification: Uncertain significance. Last evaluated: 2023-06-30. Review status: criteria provided, single submitter. Criteria: ACMG Guidelines, 2015. Collection method: clinical testing. Allele origin: germline.

Labcorp Genetics (formerly Invitae), Labcorp
Classification: Uncertain significance. Last evaluated: 2022-10-04. Review status: criteria provided, single submitter. Criteria: Invitae Variant Classification Sherloc (09022015). Collection method: clinical testing. Allele origin: germline.
Comment: In summary, the available evidence is currently insufficient to determine the role of this variant in disease. Therefore, it has been classified as a Variant of Uncertain Significance. Experimental studies and prediction algorithms are not available or were not evaluated, and the functional significance of this variant is currently unknown. This sequence change replaces lysine, which is basic and polar, with arginine, which is basic and polar, at codon 72 of the NR2E3 protein (p.Lys72Arg). This variant is not present in population databases (gnomAD no frequency). This variant has not been reported in the literature in individuals affected with NR2E3-related conditions.